The following is an entry in ClinVar:

NM_022081.6(HPS4):c.1222G>A (p.Ala408Thr)

Gene: HPS4 (HPS4 biogenesis of lysosomal organelles complex 3 subunit 2; minus strand). Cytogenetic location: 22q12.1.
Variant type: single nucleotide variant.
Coding change: c.1222G>A on transcript NM_022081.6 (MANE Select); coding-DNA position 1222, G replaced by A.
Protein change: p.Ala408Thr; replaces alanine 408 with threonine.
Molecular consequence: missense variant. On other transcripts: non-coding transcript variant (8).
Genome position (GRCh38, 1-based): chr22:26,464,408, C>T on the plus strand (G>A on the coding strand, the complement: HPS4 is on the minus strand). VCF-style: chr22-26464408-C-T. GRCh37 (hg19) VCF-style: chr22-26860374-C-T.
Other names: c.1222G>A, p.Ala408Thr (NM_001349896.1, NM_001349898.2, NM_001349899.2 and 4 more transcripts); c.1276G>A, p.Ala426Thr (NM_001349900.2, NM_001349901.1); c.1207G>A, p.Ala403Thr (NM_152841.2); c.1222G>A (NM_022081.5); short protein forms A403T, A408T, A426T.
Identifiers: ClinVar variation 281320 (VCV000281320.12), dbSNP rs143711674, ClinGen allele CA10163373.

ClinVar aggregate classification (germline): Uncertain significance. Review status: criteria provided, multiple submitters, no conflicts (2 of 4 stars). 3 submissions from 3 submitters: Uncertain significance (2). 1 of the submissions does not count toward it. Last evaluated 2022-08-16.

Conditions:
HPS4-related disorder. Also called: HPS4-related condition.

Allele frequency attached by ClinVar (database versions not stated): ExAC 0.00002; gnomAD exomes 0.00004; TOPMed 0.00009; gnomAD 0.00011 and 0.00012; ESP Exome Variant Server 0.00023.

Submissions (3):

Labcorp Genetics (formerly Invitae), Labcorp
Classification: Uncertain significance. Last evaluated: 2022-08-16. Review status: criteria provided, single submitter. Criteria: Invitae Variant Classification Sherloc (09022015). Collection method: clinical testing. Allele origin: germline.
Comment: This sequence change replaces alanine, which is neutral and non-polar, with threonine, which is neutral and polar, at codon 408 of the HPS4 protein (p.Ala408Thr). This variant is present in population databases (rs143711674, gnomAD 0.02%). This variant has not been reported in the literature in individuals affected with HPS4-related conditions. ClinVar contains an entry for this variant (Variation ID: 281320). Algorithms developed to predict the effect of missense changes on protein structure and function output the following: SIFT: "Tolerated"; PolyPhen-2: "Benign"; Align-GVGD: "Class C0". The threonine amino acid residue is found in multiple mammalian species, which suggests that this missense change does not adversely affect protein function. In summary, the available evidence is currently insufficient to determine the role of this variant in disease. Therefore, it has been classified as a Variant of Uncertain Significance.

Eurofins Ntd Llc (ga)
Classification: Uncertain significance. Last evaluated: 2015-06-15. Review status: criteria provided, single submitter. Criteria: EGL Classification Definitions 2015. Collection method: clinical testing. Allele origin: germline. Observed: 1 variant allele, 1 heterozygote.

PreventionGenetics, part of Exact Sciences
Classification: Uncertain significance for HPS4-related condition. Last evaluated: 2024-01-12. Review status: no assertion criteria provided. Collection method: clinical testing. Allele origin: germline. Not counted in ClinVar's aggregate classification.
Comment: The HPS4 c.1222G>A variant is predicted to result in the amino acid substitution p.Ala408Thr. To our knowledge, this variant has not been reported in the literature. This variant is reported in 0.024% of alleles in individuals of African descent in gnomAD. At this time, the clinical significance of this variant is uncertain due to the absence of conclusive functional and genetic evidence.